The following is an entry in ClinVar:

ClinVar aggregate classification (germline): Uncertain significance (1 of 4 stars; one submission).

Submission:

Labcorp Genetics (formerly Invitae), Labcorp
Classification: Uncertain significance. Last evaluated: 2025-11-14. Review status: criteria provided, single submitter. Criteria: Invitae Variant Classification Sherloc (09022015). Collection method: clinical testing. Allele origin: germline.
Comment: This sequence change replaces glutamine, which is neutral and polar, with arginine, which is basic and polar, at codon 193 of the PPP3CA protein (p.Gln193Arg). This variant is not present in population databases (gnomAD no frequency). This variant has not been reported in the literature in individuals affected with PPP3CA-related conditions. Invitae Evidence Modeling of protein sequence and biophysical properties (such as structural, functional, and spatial information, amino acid conservation, physicochemical variation, residue mobility, and thermodynamic stability) indicates that this missense variant is not expected to disrupt PPP3CA protein function with a negative predictive value of 80%. In summary, the available evidence is currently insufficient to determine the role of this variant in disease. Therefore, it has been classified as a Variant of Uncertain Significance.

NM_000944.5(PPP3CA):c.578A>G (p.Gln193Arg)

Gene: PPP3CA (protein phosphatase 3 catalytic subunit alpha; minus strand). Cytogenetic location: 4q24.
Variant type: single nucleotide variant.
Coding change: c.578A>G on transcript NM_000944.5 (MANE Select); coding-DNA position 578, A replaced by G.
Protein change: p.Gln193Arg; replaces glutamine 193 with arginine.
Molecular consequence: missense variant.
Genome position (GRCh38, 1-based): chr4:101,098,431, T>C on the plus strand (A>G on the coding strand, the complement: PPP3CA is on the minus strand). VCF-style: chr4-101098431-T-C. GRCh37 (hg19) VCF-style: chr4-102019588-T-C.
Other names: c.578A>G, p.Gln193Arg (NM_001130691.2, NM_001130692.2); short protein forms Q193R.
Identifiers: ClinVar variation 4809194 (VCV004809194.1).